The following is an entry in ClinVar:

ClinVar aggregate classification (germline): Uncertain significance. Review status: criteria provided, multiple submitters, no conflicts (2 of 4 stars). 2 submissions from 2 submitters: Uncertain significance (2). Last evaluated 2025-12-24.

Conditions:
Combined immunodeficiency due to LRBA deficiency. Also called: Common variable immunodeficiency 8, with autoimmunity. Identifiers: Orphanet 445018, MedGen C3553512, MONDO:0013863, OMIM 614700.

Allele frequency attached by ClinVar (database versions not stated): gnomAD exomes below 0.00001 and 0.00001; TOPMed below 0.00001; gnomAD 0.00001.
gnomAD v4.1: 4 of 1,595,194 alleles (0.00025%); highest among the groups gnomAD compares: Non-Finnish European, 0.00026%; no homozygotes.

Submissions (2):

Labcorp Genetics (formerly Invitae), Labcorp
Classification: Uncertain significance for Combined immunodeficiency due to LRBA deficiency. Last evaluated: 2025-12-24. Review status: criteria provided, single submitter. Criteria: Invitae Variant Classification Sherloc (09022015). Collection method: clinical testing. Allele origin: germline.
Comment: This sequence change affects an acceptor splice site in intron 57 of the LRBA gene. While this variant is not anticipated to result in nonsense mediated decay, it likely alters RNA splicing and results in a disrupted protein product. This variant is present in population databases (no rsID available, gnomAD 0.003%). Disruption of this splice site has been observed in individual(s) with LRBA deficiency (PMID: 26206937, 26768763). ClinVar contains an entry for this variant (Variation ID: 962138). Variants that disrupt the consensus splice site are a relatively common cause of aberrant splicing (PMID: 17576681, 9536098). Algorithms developed to predict the effect of sequence changes on RNA splicing suggest that this variant may disrupt the consensus splice site. In summary, the available evidence is currently insufficient to determine the role of this variant in disease. Therefore, it has been classified as a Variant of Uncertain Significance.

3billion
Classification: Uncertain significance for Combined immunodeficiency due to LRBA deficiency. Last evaluated: 2024-08-13. Review status: criteria provided, single submitter. Criteria: ACMG Guidelines, 2015. Collection method: clinical testing. Allele origin: germline. Affected: yes.
Comment: The variant is observed at an extremely low frequency in the gnomAD v4.0.0 dataset (total allele frequency: <0.001%). Predicted Consequence/Location: Canonical splice site: predicted to alter splicing and result in a loss or disruption of normal protein function. The predicted truncated protein may be shortened by less than 10%. In silico tools predict the variant to alter splicing and produce an abnormal transcript [SpliceAI: 0.99 (spliceogenicity >=0.2, non-spliceogenicity <0.1)]. The variant has been reported to be associated with LRBA related disorder (PMID: 26768763). However, the evidence of pathogenicity is insufficient at this time. Therefore, this variant is classified as VUS according to the recommendation of ACMG/AMP guideline.

Literature cited by the submitters: PubMed 26206937 (cited by Labcorp Genetics (formerly Invitae), Labcorp); PubMed 26768763 (cited by Labcorp Genetics (formerly Invitae), Labcorp and 3billion); PubMed 17576681 (cited by Labcorp Genetics (formerly Invitae), Labcorp); PubMed 9536098 (cited by Labcorp Genetics (formerly Invitae), Labcorp).

NM_001364905.1(LRBA):c.8469-1G>C

Gene: LRBA (LPS responsive beige-like anchor protein; minus strand). Cytogenetic location: 4q31.3.
Variant type: single nucleotide variant.
Coding change: c.8469-1G>C on transcript NM_001364905.1 (MANE Select); the canonical splice acceptor site of the intron before coding-DNA position 8469, G replaced by C.
Molecular consequence: splice acceptor variant.
Genome position (GRCh38, 1-based): chr4:150,265,813, C>G on the plus strand (G>C on the coding strand, the complement: LRBA is on the minus strand). VCF-style: chr4-150265813-C-G. GRCh37 (hg19) VCF-style: chr4-151186965-C-G.
Other names: c.8484-1G>C (NM_001367550.1, NM_001440431.1); c.8502-1G>C (NM_006726.5); c.8466-1G>C (NM_001199282.3); c.8517-1G>C (NM_001440430.1); c.2187-1G>C (NM_001440432.1); c.2181-1G>C (NM_001440433.1).
Identifiers: ClinVar variation 962138 (VCV000962138.9), dbSNP rs1163127164, ClinGen allele CA358436969.